The following is an entry in ClinVar:

ClinVar aggregate classification (germline): Uncertain significance (1 of 4 stars; one submission).

Conditions:
Desmin-related myofibrillar myopathy (MFM1). Also called: Desminopathy; Desmin related myopathy (former name); Desmin storage myopathy (former name); MYOFIBRILLAR MYOPATHY WITH ARRHYTHMOGENIC RIGHT VENTRICULAR CARDIOMYOPATHY; DESMIN-RELATED MYOPATHY WITH ARRHYTHMOGENIC RIGHT VENTRICULAR CARDIOMYOPATHY; Myofibrillar myopathy 1. Identifiers: Orphanet 363543, Orphanet 98909, MedGen C1832370, MONDO:0011076, OMIM 601419.

Allele frequency attached by ClinVar (database versions not stated): gnomAD 0.00001.

Submission:

Labcorp Genetics (formerly Invitae), Labcorp
Classification: Uncertain significance for Desmin-related myofibrillar myopathy. Last evaluated: 2021-03-24. Review status: criteria provided, single submitter. Criteria: Invitae Variant Classification Sherloc (09022015). Collection method: clinical testing. Allele origin: germline.
Comment: This sequence change replaces arginine with proline at codon 52 of the DES protein (p.Arg52Pro). The arginine residue is highly conserved and there is a moderate physicochemical difference between arginine and proline. This variant is not present in population databases (ExAC no frequency). This variant has not been reported in the literature in individuals with DES-related conditions. Algorithms developed to predict the effect of missense changes on protein structure and function are either unavailable or do not agree on the potential impact of this missense change (SIFT: "Deleterious"; PolyPhen-2: "Not Available"; Align-GVGD: "Class C0"). In summary, the available evidence is currently insufficient to determine the role of this variant in disease. Therefore, it has been classified as a Variant of Uncertain Significance.

NM_001927.4(DES):c.155G>C (p.Arg52Pro)

Gene: DES (desmin; plus strand). Cytogenetic location: 2q35.
Variant type: single nucleotide variant.
Coding change: c.155G>C on transcript NM_001927.4 (MANE Select); coding-DNA position 155, G replaced by C.
Protein change: p.Arg52Pro; replaces arginine 52 with proline.
Molecular consequence: missense variant.
Genome position (GRCh38, 1-based): chr2:219,418,617, G>C. VCF-style: chr2-219418617-G-C. GRCh37 (hg19) VCF-style: chr2-220283339-G-C.
Other names: c.155G>C, p.Arg52Pro (NM_001382708.1, NM_001382713.1, NM_001382709.1 and 3 more transcripts); short protein forms R52P.
Identifiers: ClinVar variation 1490582 (VCV001490582.8), dbSNP rs1372689272, ClinGen allele CA350683428.
Genomic context (GRCh38, chr2:219,418,617, plus strand): 5'-CGCCCGTGTTCCCGCGGGCGGGTTTCGGCTCTAAGGGCTCCTCCAGCTCGGTGACGTCCC[G>C]CGTGTACCAGGTGTCGCGCACGTCGGGCGGGGCCGGGGGCCTGGGGTCGCTGCGGGCCAG-3'
Protein context (NP_001918.3, residues 42-62): SKGSSSSVTS[Arg52Pro]VYQVSRTSGG